The following is an entry in ClinVar:

ClinVar aggregate classification (germline): Uncertain significance. Review status: criteria provided, multiple submitters, no conflicts (2 of 4 stars). 2 submissions from 2 submitters: Uncertain significance (2). Last evaluated 2026-04-16.

Conditions:
Familial adenomatous polyposis 1 (FAP1). Also called: FAMILIAL ADENOMATOUS POLYPOSIS 1, ATTENUATED; POLYPOSIS, ADENOMATOUS INTESTINAL. Identifiers: MedGen C2713442, MONDO:0021056, OMIM 175100. Disease mechanism: loss of function.
Hereditary cancer-predisposing syndrome. Also called: Tumor predisposition; Neoplastic Syndromes, Hereditary; Hereditary Cancer Syndrome; Hereditary neoplastic syndrome. Identifiers: Orphanet 140162, MedGen C0027672, MeSH D009386, MONDO:0015356.

Submissions (2):

Ambry Genetics
Classification: Uncertain significance for Hereditary cancer-predisposing syndrome. Last evaluated: 2026-04-16. Review status: criteria provided, single submitter. Criteria: Ambry Variant Classification Scheme 2023. Collection method: clinical testing. Allele origin: germline.

Labcorp Genetics (formerly Invitae), Labcorp
Classification: Uncertain significance for Familial adenomatous polyposis 1. Last evaluated: 2022-01-17. Review status: criteria provided, single submitter. Criteria: Invitae Variant Classification Sherloc (09022015). Collection method: clinical testing. Allele origin: germline.
Comment: This variant has not been reported in the literature in individuals affected with APC-related conditions. In summary, the available evidence is currently insufficient to determine the role of this variant in disease. Therefore, it has been classified as a Variant of Uncertain Significance. Algorithms developed to predict the effect of missense changes on protein structure and function (SIFT, PolyPhen-2, Align-GVGD) all suggest that this variant is likely to be tolerated. This variant is not present in population databases (gnomAD no frequency). This sequence change replaces leucine, which is neutral and non-polar, with isoleucine, which is neutral and non-polar, at codon 2378 of the APC protein (p.Leu2378Ile).

NM_000038.6(APC):c.7132C>A (p.Leu2378Ile)

Gene: APC (APC regulator of Wnt signaling pathway; plus strand). Cytogenetic location: 5q22.2.
Variant type: single nucleotide variant.
Coding change: c.7132C>A on transcript NM_000038.6 (MANE Select); coding-DNA position 7132, C replaced by A.
Protein change: p.Leu2378Ile; replaces leucine 2378 with isoleucine.
Molecular consequence: missense variant.
Genome position (GRCh38, 1-based): chr5:112,842,726, C>A. VCF-style: chr5-112842726-C-A. GRCh37 (hg19) VCF-style: chr5-112178423-C-A.
Other names: c.7132C>A, p.Leu2378Ile (NM_001127510.3, NM_001354895.2); c.7078C>A, p.Leu2360Ile (NM_001127511.3); c.7186C>A, p.Leu2396Ile (NM_001354896.2); c.7162C>A, p.Leu2388Ile (NM_001354897.2); c.7057C>A, p.Leu2353Ile (NM_001354898.2); c.7048C>A, p.Leu2350Ile (NM_001354899.2); c.7009C>A, p.Leu2337Ile (NM_001354900.2); c.6955C>A, p.Leu2319Ile (NM_001354901.2); and 6 more; short protein forms L2095I, L2287I, L2337I, L2396I, L2319I, L2350I, L2388I, L2218I.
Identifiers: ClinVar variation 1506415 (VCV001506415.9), dbSNP rs587782711, ClinGen allele CA16036865.